The following is an entry in ClinVar:

ClinVar aggregate classification (germline): Uncertain significance. Review status: criteria provided, multiple submitters, no conflicts (2 of 4 stars). 3 submissions from 3 submitters: Uncertain significance (3). Last evaluated 2023-12-21.

Conditions:
DK1-congenital disorder of glycosylation. Also called: DK1-CDG; CONGENITAL DISORDER OF GLYCOSYLATION, TYPE Im; CDG Im; DK1 DEFICIENCY; DOLICHOL KINASE DEFICIENCY; DOLK-congenital disorder of glycosylation. Identifiers: Orphanet 91131, MedGen C1835849, MONDO:0012556, OMIM 610768.
Inborn genetic diseases. Identifiers: MedGen C0950123, MeSH D030342.

Allele frequency attached by ClinVar (database versions not stated): ExAC 0.00096; gnomAD 0.00028 and 0.00030; TOPMed 0.00028.
gnomAD v4.1: 674 of 1,468,008 alleles (0.046%); highest among the groups gnomAD compares: Non-Finnish European, 0.057%; no homozygotes.

Submissions (3):

Ambry Genetics
Classification: Uncertain significance for Inborn genetic diseases. Last evaluated: 2023-12-21. Review status: criteria provided, single submitter. Criteria: Ambry Variant Classification Scheme 2023. Collection method: clinical testing. Allele origin: germline.

GeneDx
Classification: Uncertain significance. Last evaluated: 2023-09-26. Review status: criteria provided, single submitter. Criteria: GeneDx Variant Classification Process June 2021. Collection method: clinical testing. Allele origin: germline. Affected: yes.
Comment: In silico analysis supports that this missense variant does not alter protein structure/function; Has not been previously published as pathogenic or benign to our knowledge

Illumina Laboratory Services, Illumina
Classification: Uncertain significance for DK1-congenital disorder of glycosylation. Last evaluated: 2018-01-13. Review status: criteria provided, single submitter. Criteria: ICSL Variant Classification Criteria 13 December 2019. Collection method: clinical testing. Allele origin: germline.

NM_015354.3(NUP188):c.8C>T (p.Ala3Val)

Genes: DOLK (dolichol kinase; minus strand), NUP188 (nucleoporin 188; plus strand). Cytogenetic location: 9q34.11.
Variant type: single nucleotide variant.
Coding change: c.8C>T on transcript NM_015354.3 (MANE Select); coding-DNA position 8, C replaced by T.
Protein change: p.Ala3Val; replaces alanine 3 with valine.
Molecular consequence: missense variant.
Genome position (GRCh38, 1-based): chr9:128,947,727, C>T. VCF-style: chr9-128947727-C-T. GRCh37 (hg19) VCF-style: chr9-131710006-C-T.
Other names: c.8C>T (NM_015354.1); c.-424G>A (NM_014908.3); short protein forms A3V.
Identifiers: ClinVar variation 365209 (VCV000365209.11), dbSNP rs746695959, ClinGen allele CA5271832.